The following is an entry in ClinVar:

ClinVar aggregate classification (germline): Likely benign. Review status: criteria provided, multiple submitters, no conflicts (2 of 4 stars). 3 submissions from 3 submitters: Likely benign (3). Last evaluated 2025-10-07.

Conditions:
Neuronal ceroid lipofuscinosis 1 (CLN1). Also called: PPT1-Related Neuronal Ceroid-Lipofuscinosis; CEROID LIPOFUSCINOSIS, NEURONAL, 1, VARIABLE AGE AT ONSET. Identifiers: Orphanet 228329, MedGen C1850451, MONDO:0009744, OMIM 256730.

Allele frequency attached by ClinVar (database versions not stated): gnomAD 0.00001; TOPMed 0.00002; ExAC 0.00003; gnomAD exomes 0.00003 and 0.00004; ESP Exome Variant Server 0.00008.
gnomAD v4.1: 50 of 1,572,864 alleles (0.0032%); highest among the groups gnomAD compares: Middle Eastern, 0.017%; no homozygotes.

Submissions (3):

Labcorp Genetics (formerly Invitae), Labcorp
Classification: Likely benign for Neuronal ceroid lipofuscinosis 1. Last evaluated: 2025-10-07. Review status: criteria provided, single submitter. Criteria: Invitae Variant Classification Sherloc (09022015). Collection method: clinical testing. Allele origin: germline.

Blueprint Genetics
Classification: Likely benign. Last evaluated: 2020-05-19. Review status: criteria provided, single submitter. Criteria: ACMG Guidelines, 2015. Collection method: clinical testing. Allele origin: germline.

GeneDx
Classification: Likely benign. Last evaluated: 2016-06-30. Review status: criteria provided, single submitter. Criteria: GeneDx Variant Classification (06012015). Collection method: clinical testing. Allele origin: germline. Affected: yes.
Comment: This variant is considered likely benign or benign based on one or more of the following criteria: it is a conservative change, it occurs at a poorly conserved position in the protein, it is predicted to be benign by multiple in silico algorithms, and/or has population frequency not consistent with disease.

NM_000310.4(PPT1):c.234+18T>C

Gene: PPT1 (palmitoyl-protein thioesterase 1; minus strand). Cytogenetic location: 1p34.2.
Variant type: single nucleotide variant.
Coding change: c.234+18T>C on transcript NM_000310.4 (MANE Select); 18 bases into the intron after coding-DNA position 234, T replaced by C.
Molecular consequence: intron variant.
Genome position (GRCh38, 1-based): chr1:40,092,380, A>G on the plus strand (T>C on the coding strand, the complement: PPT1 is on the minus strand). VCF-style: chr1-40092380-A-G. GRCh37 (hg19) VCF-style: chr1-40558052-A-G.
Other names: c.125-2868T>C (NM_001142604.2); c.234+18T>C (NM_001363695.2).
Identifiers: ClinVar variation 387215 (VCV000387215.6), dbSNP rs372965402, ClinGen allele CA789773.
Genomic context (GRCh38, chr1:40,092,380, plus strand): 5'-CAAGGCAAAGCATTTTAACAGTATATGCTATGAAATCAGTCAGCAACCCTTCAAAGGAAC[A>G]GCTGTGAAGCGCCTTACCTCCATCAGGGTCTTCCCAATCTCTAAAGATAAGACGTAAATT-3'